The following is an entry in ClinVar:

NM_001145026.2(PTPRQ):c.4223C>A (p.Ala1408Asp)

Gene: PTPRQ (protein tyrosine phosphatase receptor type Q; plus strand). Cytogenetic location: 12q21.31.
Variant type: single nucleotide variant.
Coding change: c.4223C>A on transcript NM_001145026.2 (MANE Select); coding-DNA position 4223, C replaced by A.
Protein change: p.Ala1408Asp; replaces alanine 1408 with aspartic acid.
Molecular consequence: missense variant.
Genome position (GRCh38, 1-based): chr12:80,549,672, C>A. VCF-style: chr12-80549672-C-A. GRCh37 (hg19) VCF-style: chr12-80943451-C-A.
Other names: short protein forms A1408D.
Identifiers: ClinVar variation 4795564 (VCV004795564.1).

ClinVar aggregate classification (germline): Uncertain significance (1 of 4 stars; one submission).

gnomAD v4.1: 1 of 1,551,126 alleles (0.000064%); highest among the groups gnomAD compares: Non-Finnish European, 0.000087%; no homozygotes.

Submission:

GeneDx
Classification: Uncertain significance. Last evaluated: 2025-08-10. Review status: criteria provided, single submitter. Criteria: GeneDx Variant Classification Process June 2021. Collection method: clinical testing. Allele origin: germline. Affected: yes.
Comment: Not observed at significant frequency in large population cohorts (gnomAD); In silico analysis supports that this missense variant has a deleterious effect on protein structure/function; Has not been previously published as pathogenic or benign to our knowledge